The following is an entry in ClinVar:

NM_004341.5(CAD):c.5615C>T (p.Ser1872Phe)

Gene: CAD (carbamoyl-phosphate synthetase 2, aspartate transcarbamylase, and dihydroorotase; plus strand). Cytogenetic location: 2p23.3.
Variant type: single nucleotide variant.
Coding change: c.5615C>T on transcript NM_004341.5 (MANE Select); coding-DNA position 5615, C replaced by T.
Protein change: p.Ser1872Phe; replaces serine 1872 with phenylalanine.
Molecular consequence: missense variant.
Genome position (GRCh38, 1-based): chr2:27,240,932, C>T. VCF-style: chr2-27240932-C-T. GRCh37 (hg19) VCF-style: chr2-27463800-C-T.
Other names: c.5426C>T, p.Ser1809Phe (NM_001306079.2); short protein forms S1809F, S1872F.
Identifiers: ClinVar variation 2060984 (VCV002060984.4), dbSNP rs747582628, ClinGen allele CA1573960.
Genomic context (GRCh38, chr2:27,240,932, plus strand): 5'-AGCCATAAATGTATATCTGTCCTCTTGTCCTGTTTGCAGCTGAGGAGCCAAAGGAGAAGT[C>T]CTCTCGGAAGGTAGCCGAGCCAGGTGAGACTCCACCCTGACACACACTCACCTCGGGGAC-3'
Protein context (NP_004332.2, residues 1862-1882): GLPAEEPKEK[Ser1872Phe]SRKVAEPELM

ClinVar aggregate classification (germline): Uncertain significance (1 of 4 stars; one submission).

Allele frequency attached by ClinVar (database versions not stated): gnomAD exomes below 0.00001; ExAC 0.00001; TOPMed 0.00001.
gnomAD v4.1: 1 of 1,614,112 alleles (0.000062%); highest among the groups gnomAD compares: East Asian, 0.0022%; no homozygotes.

Submission:

Labcorp Genetics (formerly Invitae), Labcorp
Classification: Uncertain significance. Last evaluated: 2022-04-01. Review status: criteria provided, single submitter. Criteria: Invitae Variant Classification Sherloc (09022015). Collection method: clinical testing. Allele origin: germline.
Comment: This sequence change replaces serine, which is neutral and polar, with phenylalanine, which is neutral and non-polar, at codon 1872 of the CAD protein (p.Ser1872Phe). In summary, the available evidence is currently insufficient to determine the role of this variant in disease. Therefore, it has been classified as a Variant of Uncertain Significance. Algorithms developed to predict the effect of missense changes on protein structure and function (SIFT, PolyPhen-2, Align-GVGD) all suggest that this variant is likely to be tolerated. This variant has not been reported in the literature in individuals affected with CAD-related conditions. This variant is not present in population databases (gnomAD no frequency).